The following is an entry in ClinVar:

ClinVar aggregate classification (germline): Uncertain significance (1 of 4 stars; one submission).

Conditions:
Hereditary cancer-predisposing syndrome. Also called: Tumor predisposition; Hereditary Cancer Syndrome; Hereditary neoplastic syndrome; Neoplastic Syndromes, Hereditary. Identifiers: Orphanet 140162, MedGen C0027672, MeSH D009386, MONDO:0015356.

Submissions (2):

Color Diagnostics, LLC DBA Color Health
Classification: Uncertain significance for Hereditary cancer-predisposing syndrome. Last evaluated: 2019-06-15. Review status: criteria provided, single submitter. Criteria: ACMG Guidelines, 2015. Collection method: clinical testing. Allele origin: germline.

Brotman Baty Institute, University of Washington
No classification provided (evidence only). Condition: Breast-ovarian cancer, familial 1. Review status: no classification provided. Collection method: in vitro. Allele origin: not applicable. Functional consequence: functionally_abnormal. Not counted in ClinVar's aggregate classification.
ClinVar note: "not provided" was previously submitted as the classification for the variant. However, the classification appeared to be based only on an observation of functional data so it was converted to no classification on 2025-07-30.

NM_007294.4(BRCA1):c.5423T>G (p.Val1808Gly)

Gene: BRCA1 (BRCA1 DNA repair associated; minus strand). Cytogenetic location: 17q21.31.
Variant type: single nucleotide variant.
Coding change: c.5423T>G on transcript NM_007294.4 (MANE Select); coding-DNA position 5423, T replaced by G.
Protein change: p.Val1808Gly; replaces valine 1808 with glycine.
Molecular consequence: missense variant. On other transcripts: non-coding transcript variant (1).
Genome position (GRCh38, 1-based): chr17:43,047,687, A>C on the plus strand (T>G on the coding strand, the complement: BRCA1 is on the minus strand). VCF-style: chr17-43047687-A-C. GRCh37 (hg19) VCF-style: chr17-41199704-A-C.
Other names: c.5420T>G, p.Val1807Gly (NM_001407623.1, NM_001407615.1, NM_001407616.1 and 14 more transcripts); c.5417T>G, p.Val1806Gly (NM_001407634.1, NM_001407635.1, NM_001407636.1 and 13 more transcripts); c.5342T>G, p.Val1781Gly (NM_001407656.1, NM_001407657.1, NM_001407658.1); c.5339T>G, p.Val1780Gly (NM_001407659.1, NM_001407660.1, NM_001407661.1 and 2 more transcripts); c.5300T>G, p.Val1767Gly (NM_001407664.1, NM_001407665.1, NM_001407666.1 and 3 more transcripts); c.5297T>G, p.Val1766Gly (NM_001407675.1, NM_001407676.1, NM_001407677.1 and 8 more transcripts); c.5294T>G, p.Val1765Gly (NM_001407681.1, NM_001407682.1, NM_001407683.1 and 6 more transcripts); c.5282T>G, p.Val1761Gly (NM_001407695.1, NM_001407696.1, NM_001407697.1 and 12 more transcripts); and 83 more; short protein forms V1808G, C679W, V1761G, V1829G, V704G, C1740W, C1742W, C1781W.
Identifiers: ClinVar variation 489732 (VCV000489732.7), dbSNP rs80357358, ClinGen allele CA10590595.